The following is an entry in ClinVar:

NM_000540.3(RYR1):c.5996G>A (p.Arg1999His)

Gene: RYR1 (ryanodine receptor 1; plus strand). Cytogenetic location: 19q13.2.
Variant type: single nucleotide variant.
Coding change: c.5996G>A on transcript NM_000540.3 (MANE Select); coding-DNA position 5996, G replaced by A.
Protein change: p.Arg1999His; replaces arginine 1999 with histidine.
Molecular consequence: missense variant.
Genome position (GRCh38, 1-based): chr19:38,490,257, G>A. VCF-style: chr19-38490257-G-A. GRCh37 (hg19) VCF-style: chr19-38980897-G-A.
Other names: c.5996G>A, p.Arg1999His (NM_001042723.2); short protein forms R1999H.
Identifiers: ClinVar variation 999412 (VCV000999412.9), dbSNP rs1600787474, ClinGen allele CA405660649.
Genomic context (GRCh38, chr19:38,490,257, plus strand): 5'-TCCTCATAAAAGCCTTCAGCATGACCGCAGCAGAGACTGCAAGACGTACCCGCGAGTTCC[G>A]CTCCCCACCCCAGGAACAGGTCATCTGACCCCTGACGCTGGCCACTTTTACTGTCTAAAC-3'
Protein context (NP_000531.2, residues 1989-2009): AETARRTREF[Arg1999His]SPPQEQINML

ClinVar aggregate classification (germline): Uncertain significance. Review status: criteria provided, multiple submitters, no conflicts (2 of 4 stars). 3 submissions from 3 submitters: Uncertain significance (3). Last evaluated 2025-05-28.

Conditions:
RYR1-related disorder. Also called: RYR1-related disorders; RYR1-related condition. Identifiers: MedGen CN239331.
Malignant hyperthermia, susceptibility to, 1 (MHS1). Also called: RYR1-Related Malignant Hyperthermia Susceptibility; Anesthesia related hyperthermia; Malignant hyperpyrexia; Fulminating hyperpyrexia; Pharmacogenic myopathy; Malignant hyperthermia suceptibility 1. Identifiers: Orphanet 423, MedGen C2930980, MONDO:0007783, OMIM 145600.

Submissions (3):

Labcorp Genetics (formerly Invitae), Labcorp
Classification: Uncertain significance for RYR1-related disorder. Last evaluated: 2025-05-28. Review status: criteria provided, single submitter. Criteria: Invitae Variant Classification Sherloc (09022015). Collection method: clinical testing. Allele origin: germline.
Comment: This sequence change replaces arginine, which is basic and polar, with histidine, which is basic and polar, at codon 1999 of the RYR1 protein (p.Arg1999His). This variant is not present in population databases (gnomAD no frequency). This variant has not been reported in the literature in individuals affected with RYR1-related conditions. ClinVar contains an entry for this variant (Variation ID: 999412). Invitae Evidence Modeling of protein sequence and biophysical properties (such as structural, functional, and spatial information, amino acid conservation, physicochemical variation, residue mobility, and thermodynamic stability) indicates that this missense variant is expected to disrupt RYR1 protein function with a positive predictive value of 80%. This variant disrupts the p.Arg1999 amino acid residue in RYR1. Other variant(s) that disrupt this residue have been determined to be pathogenic (internal data). This suggests that this residue is clinically significant, and that variants that disrupt this residue are likely to be disease-causing. In summary, the available evidence is currently insufficient to determine the role of this variant in disease. Therefore, it has been classified as a Variant of Uncertain Significance.

All of Us Research Program, National Institutes of Health
Classification: Uncertain significance for Malignant hyperthermia, susceptibility to, 1. Last evaluated: 2023-06-26. Review status: criteria provided, single submitter. Criteria: ACMG Guidelines, 2015. Collection method: clinical testing. Allele origin: germline. Inheritance: Autosomal dominant inheritance. Observed: 1 variant allele, 1 heterozygote.
Comment: This missense variant replaces arginine with histidine at codon 1999 of the RYR1 protein. Computational prediction is inconclusive regarding the impact of this variant on protein structure and function (internally defined REVEL score threshold 0.5 < inconclusive < 0.7, PMID: 27666373). To our knowledge, functional studies have not been reported for this variant. This variant has not been reported in individuals affected with RYR1-related disorders in the literature. This variant has not been identified in the general population by the Genome Aggregation Database (gnomAD). The available evidence is insufficient to determine the role of this variant in disease conclusively. Therefore, this variant is classified as a Variant of Uncertain Significance.

This study involves interpretation of variants in research participants for the purpose of population health screening. Participant phenotype was not available at the time of variant classification. Additional details can be found in publication PMID: 35346344, PMCID: PMC8962531

Blueprint Genetics
Classification: Uncertain significance. Last evaluated: 2018-10-29. Review status: criteria provided, single submitter. Criteria: ACMG Guidelines, 2015. Collection method: clinical testing. Allele origin: germline.